The following is an entry in ClinVar:

ClinVar aggregate classification (germline): Uncertain significance (1 of 4 stars; one submission).

Submission:

Dasa
Classification: Uncertain significance. Last evaluated: 2026-01-26. Review status: criteria provided, single submitter. Criteria: DASA Assertion Criteria. Collection method: clinical testing. Allele origin: germline.
Comment: NM_001378120.1(MBD5):c.182A>G (p.Lys61Arg) is a missense variant that results in the substitution of lysine with arginine. This variant is rare in population databases. Computational prediction algorithms are consistent with a deleterious effect. The currently available literature and clinical evidence are not sufficient to establish a definitive association between this variant and the reported condition. Therefore, this variant is classified as a variant of uncertain significance.

NM_001378120.1(MBD5):c.182A>G (p.Lys61Arg)

Gene: MBD5 (methyl-CpG binding domain protein 5; plus strand). Cytogenetic location: 2q23.1.
Variant type: single nucleotide variant.
Coding change: c.182A>G on transcript NM_001378120.1 (MANE Select); coding-DNA position 182, A replaced by G.
Protein change: p.Lys61Arg; replaces lysine 61 with arginine.
Molecular consequence: missense variant.
Genome position (GRCh38, 1-based): chr2:148,462,650, A>G. VCF-style: chr2-148462650-A-G. GRCh37 (hg19) VCF-style: chr2-149220219-A-G.
Other names: c.182A>G, p.Lys61Arg (NM_001438854.1, NM_001438855.1, NM_001438856.1 and 7 more transcripts); short protein forms K61R.
Identifiers: ClinVar variation 4885325 (VCV004885325.2).